The following is an entry in ClinVar:

ClinVar aggregate classification (germline): Benign/Likely benign. Review status: criteria provided, multiple submitters, no conflicts (2 of 4 stars). 2 submissions from 2 submitters: Benign (1); Likely benign (1). Last evaluated 2026-08-28.

Conditions:
ALPK1-related disorder. Also called: ALPK1-related condition.

Allele frequency attached by ClinVar (database versions not stated): ExAC 0.00014; 1000 Genomes Project 30x 0.00094; 1000 Genomes Project 0.00100.

Submissions (2):

PreventionGenetics, part of Exact Sciences
Classification: Likely benign for ALPK1-related condition. Last evaluated: 2026-08-28. Review status: criteria provided, single submitter. Criteria: ACMG Guidelines, 2015. Collection method: clinical testing. Allele origin: germline.
Comment: This variant is classified as likely benign based on ACMG/AMP sequence variant interpretation guidelines (Richards et al. 2015 PMID: 25741868, with internal and published modifications).

Labcorp Genetics (formerly Invitae), Labcorp
Classification: Benign. Last evaluated: 2026-01-27. Review status: criteria provided, single submitter. Criteria: Invitae Variant Classification Sherloc (09022015). Collection method: clinical testing. Allele origin: germline.

NM_025144.4(ALPK1):c.1122G>A (p.Thr374=)

Gene: ALPK1 (alpha kinase 1; plus strand). Cytogenetic location: 4q25.
Variant type: single nucleotide variant.
Coding change: c.1122G>A on transcript NM_025144.4 (MANE Select); coding-DNA position 1122, G replaced by A.
Protein change: p.Thr374=; no amino-acid change (threonine 374 retained).
Molecular consequence: synonymous variant.
Genome position (GRCh38, 1-based): chr4:112,430,669, G>A. VCF-style: chr4-112430669-G-A. GRCh37 (hg19) VCF-style: chr4-113351825-G-A.
Other names: c.1122G>A (NM_001102406.1); c.1122G>A, p.Thr374= (NM_001102406.2); c.888G>A, p.Thr296= (NM_001253884.2).
Identifiers: ClinVar variation 2037565 (VCV002037565.5), dbSNP rs571059148, ClinGen allele CA3046670.
Genomic context (GRCh38, chr4:112,430,669, plus strand): 5'-TGTCAAAGCTGCTTTCGGTCTCACCACAGTGCACAGAAGGCTCCATGGGGAGACAGGGAC[G>A]GTCCATGCAGCAAGTCAGCTCTGTAAGGAAGCAATGGGGAAGCTGTACAATTTCAGCACT-3'
Protein context (NP_079420.3, residues 364-384): VHRRLHGETG[Thr374=]VHAASQLCKE